The following is an entry in ClinVar:

ClinVar aggregate classification (germline): Likely benign. Review status: criteria provided, multiple submitters, no conflicts (2 of 4 stars). 2 submissions from 2 submitters: Likely benign (2). Last evaluated 2023-04-01.

Allele frequency attached by ClinVar (database versions not stated): TOPMed 0.00002; gnomAD 0.00003; gnomAD exomes 0.00003.
gnomAD v4.1: 51 of 1,612,110 alleles (0.0032%); highest among the groups gnomAD compares: Non-Finnish European, 0.0039%; no homozygotes.

Submissions (2):

CeGaT Center for Human Genetics Tuebingen
Classification: Likely benign. Last evaluated: 2023-04-01. Review status: criteria provided, single submitter. Criteria: CeGaT Center For Human Genetics Tuebingen Variant Classification Criteria Version 2. Collection method: clinical testing. Allele origin: germline. Affected: yes. Observed: 1 variant allele.
Comment: PMPCA: BP4, BP7

Labcorp Genetics (formerly Invitae), Labcorp
Classification: Likely benign. Last evaluated: 2023-02-17. Review status: criteria provided, single submitter. Criteria: Invitae Variant Classification Sherloc (09022015). Collection method: clinical testing. Allele origin: germline.

NM_015160.3(PMPCA):c.1560G>A (p.Thr520=)

Gene: PMPCA (peptidase, mitochondrial processing subunit alpha; plus strand). Cytogenetic location: 9q34.3.
Variant type: single nucleotide variant.
Coding change: c.1560G>A on transcript NM_015160.3 (MANE Select); coding-DNA position 1560, G replaced by A.
Protein change: p.Thr520=; no amino-acid change (threonine 520 retained).
Molecular consequence: synonymous variant.
Genome position (GRCh38, 1-based): chr9:136,423,246, G>A. VCF-style: chr9-136423246-G-A. GRCh37 (hg19) VCF-style: chr9-139317698-G-A.
Other names: c.1167G>A, p.Thr389= (NM_001282944.2); c.1260G>A, p.Thr420= (NM_001282946.2).
Identifiers: ClinVar variation 732550 (VCV000732550.31), dbSNP rs991112499, ClinGen allele CA201630230.